The following is an entry in ClinVar:

ClinVar aggregate classification (germline): Pathogenic (1 of 4 stars; one submission).

Conditions:
Fanconi anemia (FA). Also called: Fanconi's anemia. Identifiers: Orphanet 84, MedGen C0015625, MeSH D005199, MONDO:0019391.

Submission:

Labcorp Genetics (formerly Invitae), Labcorp
Classification: Pathogenic for Fanconi anemia. Last evaluated: 2021-08-05. Review status: criteria provided, single submitter. Criteria: Invitae Variant Classification Sherloc (09022015). Collection method: clinical testing. Allele origin: germline.
Comment: This sequence change creates a premature translational stop signal (p.Gln26*) in the FANCG gene. It is expected to result in an absent or disrupted protein product. Loss-of-function variants in FANCG are known to be pathogenic (PMID: 12552564). This variant is not present in population databases (ExAC no frequency). This variant has not been reported in the literature in individuals affected with FANCG-related conditions. For these reasons, this variant has been classified as Pathogenic.

Literature cited by the submitters: PubMed 12552564.

NM_004629.2(FANCG):c.76C>T (p.Gln26Ter)

Gene: FANCG (FA complementation group G; minus strand). Cytogenetic location: 9p13.3.
Variant type: single nucleotide variant.
Coding change: c.76C>T on transcript NM_004629.2 (MANE Select); coding-DNA position 76, C replaced by T.
Protein change: p.Gln26Ter; replaces glutamine 26 with a stop codon.
Molecular consequence: nonsense.
Genome position (GRCh38, 1-based): chr9:35,079,449, G>A on the plus strand (C>T on the coding strand, the complement: FANCG is on the minus strand). VCF-style: chr9-35079449-G-A. GRCh37 (hg19) VCF-style: chr9-35079446-G-A.
Other names: short protein forms Q26*.
Identifiers: ClinVar variation 1456052 (VCV001456052.6), dbSNP rs2131060266, ClinGen allele CA373315885.